The following is an entry in ClinVar:

NM_000350.3(ABCA4):c.5858del (p.Pro1953fs)

Gene: ABCA4 (ATP binding cassette subfamily A member 4; minus strand). Cytogenetic location: 1p22.1.
Variant type: Deletion.
Coding change: c.5858del on transcript NM_000350.3 (MANE Select); coding-DNA position 5858, one base deleted (C; older notation c.5858delC).
Protein change: p.Pro1953fs; shifts the reading frame from proline 1953.
Molecular consequence: frameshift variant.
Genome position (GRCh38, 1-based): chr1:94,008,275, G deleted on the plus strand (C on the coding strand, the reverse complement: ABCA4 is on the minus strand); the first of 3 consecutive G bases (chr1:94,008,275-94,008,277); deleting any one gives the same sequence. VCF-style (leftmost placement, unchanged base first): chr1-94008274-TG-T. GRCh37 (hg19) VCF-style: chr1-94473830-TG-T.
Other names: c.5636del, p.Pro1879fs (NM_001425324.1); short protein forms P1879fs, P1953fs.
Identifiers: ClinVar variation 4763742 (VCV004763742.1).

ClinVar aggregate classification (germline): Pathogenic (1 of 4 stars; one submission).

Submission:

Labcorp Genetics (formerly Invitae), Labcorp
Classification: Pathogenic. Last evaluated: 2025-07-14. Review status: criteria provided, single submitter. Criteria: Invitae Variant Classification Sherloc (09022015). Collection method: clinical testing. Allele origin: germline.
Comment: This sequence change creates a premature translational stop signal (p.Pro1953Glnfs*21) in the ABCA4 gene. It is expected to result in an absent or disrupted protein product. Loss-of-function variants in ABCA4 are known to be pathogenic (PMID: 10958761, 24938718, 25312043, 26780318). This variant is not present in population databases (gnomAD no frequency). This premature translational stop signal has been observed in individual(s) with Stargardt disease (PMID: 35119454, 35120629). For these reasons, this variant has been classified as Pathogenic.

Literature cited by the submitters: PubMed 10958761; PubMed 24938718; PubMed 25312043; PubMed 26780318; PubMed 35119454; PubMed 35120629.